The following is an entry in ClinVar:

ClinVar aggregate classification (germline): Uncertain significance (1 of 4 stars; one submission).

Conditions:
Asphyxiating thoracic dystrophy 5 (SRTD5). Also called: SHORT-RIB THORACIC DYSPLASIA 5 WITH OR WITHOUT POLYDACTYLY; SHORT-RIB THORACIC DYSPLASIA 5 WITHOUT POLYDACTYLY. Identifiers: Orphanet 474, MedGen C3280598, MONDO:0013717, OMIM 614376.
Senior-Loken syndrome 8 (SLSN8). Identifiers: Orphanet 3156, MedGen C4225376, MONDO:0014579, OMIM 616307.

Allele frequency attached by ClinVar (database versions not stated): TOPMed 0.00002; gnomAD 0.00003 and 0.00004.
gnomAD v4.1: 8 of 1,611,648 alleles (0.0005%); highest among the groups gnomAD compares: Non-Finnish European, 0.00068%; no homozygotes.

Submission:

Labcorp Genetics (formerly Invitae), Labcorp
Classification: Uncertain significance for Senior-Loken syndrome 8; Asphyxiating thoracic dystrophy 5. Last evaluated: 2022-07-11. Review status: criteria provided, single submitter. Criteria: Invitae Variant Classification Sherloc (09022015). Collection method: clinical testing. Allele origin: germline.
Comment: This sequence change replaces threonine, which is neutral and polar, with isoleucine, which is neutral and non-polar, at codon 583 of the WDR19 protein (p.Thr583Ile). This variant is not present in population databases (gnomAD no frequency). This variant has not been reported in the literature in individuals affected with WDR19-related conditions. ClinVar contains an entry for this variant (Variation ID: 959979). Algorithms developed to predict the effect of missense changes on protein structure and function are either unavailable or do not agree on the potential impact of this missense change (SIFT: "Tolerated"; PolyPhen-2: "Possibly Damaging"; Align-GVGD: "Class C0"). In summary, the available evidence is currently insufficient to determine the role of this variant in disease. Therefore, it has been classified as a Variant of Uncertain Significance.

NM_025132.4(WDR19):c.1748C>T (p.Thr583Ile)

Gene: WDR19 (WD repeat domain 19; plus strand). Cytogenetic location: 4p14.
Variant type: single nucleotide variant.
Coding change: c.1748C>T on transcript NM_025132.4 (MANE Select); coding-DNA position 1748, C replaced by T.
Protein change: p.Thr583Ile; replaces threonine 583 with isoleucine.
Molecular consequence: missense variant.
Genome position (GRCh38, 1-based): chr4:39,228,328, C>T. VCF-style: chr4-39228328-C-T. GRCh37 (hg19) VCF-style: chr4-39229948-C-T.
Other names: c.1268C>T, p.Thr423Ile (NM_001317924.2); short protein forms T423I, T583I.
Identifiers: ClinVar variation 959979 (VCV000959979.9), dbSNP rs1286484497, ClinGen allele CA356632819.
Genomic context (GRCh38, chr4:39,228,328, plus strand): 5'-GGGAAAACTGGCCAATGGATAAAGGTGTATTTATTGCTTATGATGATGATAAGGTGTACA[C>T]TTATGTCTTTCACAAGGACACTATACAAGGTACTAAACCCCTTTTGTGTATATTCGCTGA-3'
Protein context (NP_079408.3, residues 573-593): FIAYDDDKVY[Thr583Ile]YVFHKDTIQG